The following is an entry in ClinVar:

ClinVar aggregate classification (germline): Uncertain significance. Review status: criteria provided, multiple submitters, no conflicts (2 of 4 stars). 2 submissions from 2 submitters: Uncertain significance (2). Last evaluated 2026-08-27.

Conditions:
Cardiovascular phenotype. Identifiers: MedGen CN230736.

gnomAD v4.1: 6 of 1,613,366 alleles (0.00037%); highest among the groups gnomAD compares: Non-Finnish European, 0.00017%; no homozygotes.

Submissions (7):

Ambry Genetics
Classification: Uncertain significance for Cardiovascular phenotype. Last evaluated: 2026-08-27. Review status: criteria provided, single submitter. Criteria: Ambry Variant Classification Scheme 2023. Collection method: clinical testing. Allele origin: germline.
Comment: The p.H278Q variant (also known as c.834T>G), located in coding exon 1 of the KCNJ5 gene, results from a T to G substitution at nucleotide position 834. The histidine at codon 278 is replaced by glutamine, an amino acid with highly similar properties. A different nucleotide substitution resulting in the same amino acid change (p.H278Q, c.834T>A) was reported in individual(s) with features consistent with early onset hypertension (Qin F et al. Hypertens Res, 2019 Oct;42:1536-1543). This amino acid position is highly conserved in available vertebrate species. In addition, this alteration is predicted to be deleterious by in silico analysis. Based on the available evidence, the clinical significance of this variant remains unclear.

GeneDx
Classification: Uncertain significance. Last evaluated: 2026-01-22. Review status: criteria provided, single submitter. Criteria: GeneDx Variant Classification Process June 2021. Collection method: clinical testing. Allele origin: germline.
Comment: Not observed at significant frequency in large population cohorts (gnomAD); In silico analysis supports that this missense variant has a deleterious effect on protein structure/function; This variant is associated with the following publications: (PMID: 31388123)

Dr. Peter K. Rogan Lab, Western University
No classification provided (evidence only). Condition: Thyroid cancer, nonmedullary, 1. Review status: no classification provided. Collection method: in vitro. Allele origin: not applicable. Functional consequence: retained intron. Not counted in ClinVar's aggregate classification.

Dr. Peter K. Rogan Lab, Western University
No classification provided (evidence only). Condition: Thyroid cancer, nonmedullary, 1. Review status: no classification provided. Collection method: in vitro. Allele origin: not applicable. Functional consequence: retained intron. Not counted in ClinVar's aggregate classification.

Dr. Peter K. Rogan Lab, Western University
No classification provided (evidence only). Condition: Thyroid cancer, nonmedullary, 1. Review status: no classification provided. Collection method: in vitro. Allele origin: not applicable. Functional consequence: retained intron. Not counted in ClinVar's aggregate classification.

Dr. Peter K. Rogan Lab, Western University
No classification provided (evidence only). Condition: Nonpapillary renal cell carcinoma. Review status: no classification provided. Collection method: in vitro. Allele origin: not applicable. Functional consequence: retained intron. Not counted in ClinVar's aggregate classification.

Dr. Peter K. Rogan Lab, Western University
No classification provided (evidence only). Condition: Ovarian serous cystadenocarcinoma. Review status: no classification provided. Collection method: in vitro. Allele origin: not applicable. Functional consequence: retained intron. Not counted in ClinVar's aggregate classification.

Literature cited by the submitters: PubMed 31388123 (cited by Ambry Genetics).

NM_000890.5(KCNJ5):c.834T>G (p.His278Gln)

Gene: KCNJ5 (potassium inwardly rectifying channel subfamily J member 5; plus strand). Cytogenetic location: 11q24.3.
Variant type: single nucleotide variant.
Coding change: c.834T>G on transcript NM_000890.5 (MANE Select); coding-DNA position 834, T replaced by G.
Protein change: p.His278Gln; replaces histidine 278 with glutamine.
Molecular consequence: missense variant.
Genome position (GRCh38, 1-based): chr11:128,912,107, T>G. VCF-style: chr11-128912107-T-G. GRCh37 (hg19) VCF-style: chr11-128782002-T-G.
Other names: NC_000011.9:g.128782002T>G; c.834T>G, p.His278Gln (NM_001354169.2); short protein forms H278Q.
Identifiers: ClinVar variation 4369370 (VCV004369370.3).